The following is an entry in ClinVar:

ClinVar aggregate classification (germline): Uncertain significance (1 of 4 stars; one submission).

Conditions:
Left ventricular noncompaction 8 (LVNC8). Identifiers: Orphanet 154, Orphanet 54260, MedGen C3809288, MONDO:0014152, OMIM 615373.

Submission:

Labcorp Genetics (formerly Invitae), Labcorp
Classification: Uncertain significance for Left ventricular noncompaction 8. Last evaluated: 2023-03-27. Review status: criteria provided, single submitter. Criteria: Invitae Variant Classification Sherloc (09022015). Collection method: clinical testing. Allele origin: germline.
Comment: In summary, the available evidence is currently insufficient to determine the role of this variant in disease. Therefore, it has been classified as a Variant of Uncertain Significance. Variants that disrupt the consensus splice site are a relatively common cause of aberrant splicing (PMID: 17576681, 9536098). Algorithms developed to predict the effect of sequence changes on RNA splicing suggest that this variant may disrupt the consensus splice site. An algorithm developed to predict the effect of missense changes on protein structure and function (PolyPhen-2) suggests that this variant is likely to be tolerated. This variant has not been reported in the literature in individuals affected with PRDM16-related conditions. This variant is not present in population databases (gnomAD no frequency). This sequence change replaces serine, which is neutral and polar, with asparagine, which is neutral and polar, at codon 295 of the PRDM16 protein (p.Ser295Asn). This variant also falls at the last nucleotide of exon 6, which is part of the consensus splice site for this exon.

Literature cited by the submitters: PubMed 17576681; PubMed 9536098.

NM_022114.4(PRDM16):c.884G>A (p.Ser295Asn)

Gene: PRDM16 (PR/SET domain 16; plus strand). Cytogenetic location: 1p36.32.
Variant type: single nucleotide variant.
Coding change: c.884G>A on transcript NM_022114.4 (MANE Select); coding-DNA position 884, G replaced by A.
Protein change: p.Ser295Asn; replaces serine 295 with asparagine.
Molecular consequence: missense variant.
Genome position (GRCh38, 1-based): chr1:3,402,998, G>A. VCF-style: chr1-3402998-G-A. GRCh37 (hg19) VCF-style: chr1-3319562-G-A.
Other names: c.884G>A, p.Ser295Asn (NM_199454.3); short protein forms S295N.
Identifiers: ClinVar variation 2980788 (VCV002980788.3), dbSNP rs2523833889, ClinGen allele CA338003407.